The following is an entry in ClinVar:

NM_002778.4(PSAP):c.1559G>A (p.Arg520His)

Gene: PSAP (prosaposin; minus strand). Cytogenetic location: 10q22.1.
Variant type: single nucleotide variant.
Coding change: c.1559G>A on transcript NM_002778.4 (MANE Select); coding-DNA position 1559, G replaced by A.
Protein change: p.Arg520His; replaces arginine 520 with histidine.
Molecular consequence: missense variant.
Genome position (GRCh38, 1-based): chr10:71,817,457, C>T on the plus strand (G>A on the coding strand, the complement: PSAP is on the minus strand). VCF-style: chr10-71817457-C-T. GRCh37 (hg19) VCF-style: chr10-73577214-C-T.
Other names: c.1568G>A, p.Arg523His (NM_001042465.3); c.1565G>A, p.Arg522His (NM_001042466.3); c.1559G>A (NM_002778.2); short protein forms R523H, R520H, R522H.
Identifiers: ClinVar variation 2050467 (VCV002050467.2), dbSNP rs545627914, ClinGen allele CA209451700.

ClinVar aggregate classification (germline): Uncertain significance. Review status: criteria provided, multiple submitters, no conflicts (2 of 4 stars). 2 submissions from 2 submitters: Uncertain significance (2). Last evaluated 2025-01-01.

Conditions:
Inborn genetic diseases. Identifiers: MedGen C0950123, MeSH D030342.
Sphingolipid activator protein 1 deficiency. Also called: Saposin B Deficiency; Metachromatic leukodystrophy due to saposin B deficiency; METACHROMATIC LEUKODYSTROPHY DUE TO CEREBROSIDE SULFATASE ACTIVATOR DEFICIENCY. Identifiers: Orphanet 512, MedGen C0268262, MONDO:0009590, OMIM 249900.

Allele frequency attached by ClinVar (database versions not stated): gnomAD 0.00008; 1000 Genomes Project 30x 0.00016; 1000 Genomes Project 0.00020; TOPMed 0.00020.
gnomAD v4.1: 25 of 1,614,188 alleles (0.0015%); highest among the groups gnomAD compares: Admixed American, 0.033%; no homozygotes.

Submissions (2):

Ambry Genetics
Classification: Uncertain significance for Inborn genetic diseases. Last evaluated: 2025-01-01. Review status: criteria provided, single submitter. Criteria: Ambry Variant Classification Scheme 2023. Collection method: clinical testing. Allele origin: germline.

Labcorp Genetics (formerly Invitae), Labcorp
Classification: Uncertain significance for Sphingolipid activator protein 1 deficiency. Last evaluated: 2022-07-12. Review status: criteria provided, single submitter. Criteria: Invitae Variant Classification Sherloc (09022015). Collection method: clinical testing. Allele origin: germline.
Comment: This sequence change replaces arginine, which is basic and polar, with histidine, which is basic and polar, at codon 520 of the PSAP protein (p.Arg520His). This variant is present in population databases (rs545627914, gnomAD 0.009%). This variant has not been reported in the literature in individuals affected with PSAP-related conditions. Algorithms developed to predict the effect of missense changes on protein structure and function are either unavailable or do not agree on the potential impact of this missense change (SIFT: "Not Available"; PolyPhen-2: "Possibly Damaging"; Align-GVGD: "Not Available"). In summary, the available evidence is currently insufficient to determine the role of this variant in disease. Therefore, it has been classified as a Variant of Uncertain Significance.